The following is an entry in ClinVar:

ClinVar aggregate classification (germline): Benign/Likely benign. Review status: criteria provided, multiple submitters, no conflicts (2 of 4 stars). 18 submissions from 17 submitters: Benign (15); Likely benign (1). 2 of the submissions do not count toward it. Last evaluated 2026-10-01.

Conditions:
Basal cell nevus syndrome 1 (BCNS1). Also called: MULTIPLE BASAL CELL NEVI, ODONTOGENIC KERATOCYSTS, AND SKELETAL ANOMALIES; GORLIN-GOLTZ SYNDROME. Identifiers: MedGen CN376810, MONDO:0958174, OMIM 109400.
Holoprosencephaly 7 (HPE7). Identifiers: Orphanet 2162, MedGen C1835820, MONDO:0012562, OMIM 610828.
Basal cell carcinoma, susceptibility to, 1. Also called: BCC1. Identifiers: MedGen C2751544, MONDO:0011556, OMIM 605462.
Hereditary cancer-predisposing syndrome. Also called: Neoplastic Syndromes, Hereditary; Tumor predisposition; Hereditary neoplastic syndrome; Hereditary Cancer Syndrome. Identifiers: Orphanet 140162, MedGen C0027672, MeSH D009386, MONDO:0015356.
Gorlin syndrome. Also called: Nevoid Basal Cell Carcinoma Syndrome; Basal cell nevus syndrome. Identifiers: Orphanet 377, MedGen C0004779, MONDO:0007187.

Allele frequency attached by ClinVar (database versions not stated): TOPMed 0.00727; gnomAD 0.00772 and 0.00827; gnomAD exomes 0.00784 and 0.01175; ESP Exome Variant Server 0.00853; ExAC 0.00903; 1000 Genomes Project 0.00260; 1000 Genomes Project 30x 0.00265.
gnomAD v4.1: 18,153 of 1,613,520 alleles (1.1%); highest among the groups gnomAD compares: Non-Finnish European, 1.4%; 125 homozygotes.

Submissions (18):

CeGaT Center for Human Genetics Tuebingen
Classification: Benign. Last evaluated: 2026-10-01. Review status: criteria provided, single submitter. Criteria: CeGaT Center For Human Genetics Tuebingen Variant Classification Criteria Version 2. Collection method: clinical testing. Allele origin: germline. Affected: yes. Observed: 109 variant alleles.
Comment: PTCH1: BP4, BP7, BS1, BS2

Labcorp Genetics (formerly Invitae), Labcorp
Classification: Benign for Gorlin syndrome. Last evaluated: 2026-02-04. Review status: criteria provided, single submitter. Criteria: Invitae Variant Classification Sherloc (09022015). Collection method: clinical testing. Allele origin: germline.

Mayo Clinic Laboratories, Mayo Clinic
Classification: Likely benign. Last evaluated: 2025-08-27. Review status: criteria provided, single submitter. Criteria: ACMG Guidelines, 2015. Collection method: clinical testing. Allele origin: germline. Observed: 8 variant alleles.
Comment: BS1, BP4, BP5, BP7

Quest Diagnostics Nichols Institute San Juan Capistrano
Classification: Benign. Last evaluated: 2025-05-01. Review status: criteria provided, single submitter. Criteria: Quest Diagnostics criteria. Collection method: clinical testing. Allele origin: unknown.

Center for Genomic Medicine, Rigshospitalet, Copenhagen University Hospital
Classification: Benign. Last evaluated: 2025-03-04. Review status: criteria provided, single submitter. Criteria: ACMG Guidelines, 2015. Collection method: clinical testing. Allele origin: germline.

KCCC/NGS Laboratory, Kuwait Cancer Control Center
Classification: Benign for Basal cell nevus syndrome 1. Last evaluated: 2025-02-01. Review status: criteria provided, single submitter. Criteria: ACMG Guidelines, 2015. Collection method: clinical testing. Allele origin: germline. Affected: no.

Blueprint Genetics
Classification: Benign. Last evaluated: 2024-11-22. Review status: criteria provided, single submitter. Criteria: ACMG Guidelines, 2015. Collection method: clinical testing. Allele origin: germline.

ARUP Laboratories, Molecular Genetics and Genomics, ARUP Laboratories
Classification: Benign. Last evaluated: 2023-11-22. Review status: criteria provided, single submitter. Criteria: ARUP Molecular Germline Variant Investigation Process 2024. Collection method: clinical testing. Allele origin: germline.

Department of Pathology and Laboratory Medicine, Sinai Health System
Classification: Benign for Basal cell nevus syndrome 1; Basal cell carcinoma, susceptibility to, 1; Holoprosencephaly 7. Last evaluated: 2022-07-27. Review status: criteria provided, single submitter. Criteria: ACMG Guidelines, 2015. Collection method: clinical testing. Allele origin: germline. Affected: yes.

Illumina Laboratory Services, Illumina
Classification: Benign for Basal cell nevus syndrome 1. Last evaluated: 2018-01-13. Review status: criteria provided, single submitter. Criteria: ICSL Variant Classification Criteria 13 December 2019. Collection method: clinical testing. Allele origin: germline.
Comment: This variant was observed in the ICSL laboratory as part of a predisposition screen in an ostensibly healthy population. It had not been previously curated by ICSL or reported in the Human Gene Mutation Database (HGMD: prior to June 1st, 2018), and was therefore a candidate for classification through an automated scoring system. Utilizing variant allele frequency, disease prevalence and penetrance estimates, and inheritance mode, an automated score was calculated to assess if this variant is too frequent to cause the disease. Based on the score and internal cut-off values, a variant classified as benign is not then subjected to further curation. The score for this variant resulted in a classification of benign for this disease.

Illumina Laboratory Services, Illumina
Classification: Benign for Holoprosencephaly 7. Last evaluated: 2018-01-13. Review status: criteria provided, single submitter. Criteria: ICSL Variant Classification Criteria 13 December 2019. Collection method: clinical testing. Allele origin: germline.
Comment: the same text as in the submission from Illumina Laboratory Services, Illumina above.

Women's Health and Genetics/Laboratory Corporation of America, LabCorp
Classification: Benign. Last evaluated: 2016-08-30. Review status: criteria provided, single submitter. Criteria: LabCorp Variant Classification Summary - May 2015. Collection method: clinical testing. Allele origin: germline.
Comment: Variant summary: The PTCH1 c.1641C>T (p.Ser547Ser) variant involves the alteration of a non-conserved nucleotide, resulting in a synonymous change. One in silico tool predicts a damaging outcome for this variant. 4/5 splice prediction tools predict no significant impact on normal splicing. ESE finder predicts that this variant may affect multiple ESE sites. However, these predictions have yet to be confirmed by functional studies. This variant was found in 994/110038 control chromosomes (7 homozygotes) at a frequency of 0.0090332, which is approximately 527 times the estimated maximal expected allele frequency of a pathogenic PTCH1 variant (0.0000171), suggesting this variant is likely a benign polymorphism. In addition, one clinical diagnostic laboratory classified this variant as benign. Taken together, this variant is classified as benign.

Ambry Genetics
Classification: Benign for Hereditary cancer-predisposing syndrome. Last evaluated: 2016-07-20. Review status: criteria provided, single submitter. Criteria: Ambry Variant Classification Scheme 2023. Collection method: clinical testing. Allele origin: germline.

GeneDx
Classification: Benign. Last evaluated: 2015-03-03. Review status: criteria provided, single submitter. Criteria: GeneDx Variant Classification Process June 2021. Collection method: clinical testing. Allele origin: germline. Affected: yes.

Breakthrough Genomics
Classification: Benign. Review status: criteria provided, single submitter. Criteria: ACMG Guidelines, 2015. Collection method: not provided. Allele origin: germline. Inheritance: Autosomal dominant inheritance. Affected: yes.

PreventionGenetics, part of Exact Sciences
Classification: Benign. Review status: criteria provided, single submitter. Criteria: ACMG Guidelines, 2015. Collection method: clinical testing. Allele origin: germline.

Genome Diagnostics Laboratory, Amsterdam University Medical Center
Classification: Benign. Review status: no assertion criteria provided. Collection method: clinical testing. Allele origin: germline. Affected: yes. Study: VKGL Data-share Consensus. Not counted in ClinVar's aggregate classification.

Laboratory of Diagnostic Genome Analysis, Leiden University Medical Center (LUMC)
Classification: Benign. Review status: no assertion criteria provided. Collection method: clinical testing. Allele origin: germline. Affected: yes. Study: VKGL Data-share Consensus. Not counted in ClinVar's aggregate classification.

Literature cited by the submitters: PubMed 21188540 (cited by Quest Diagnostics Nichols Institute San Juan Capistrano); PubMed 23313819 (cited by Quest Diagnostics Nichols Institute San Juan Capistrano); PubMed 29498494 (cited by Quest Diagnostics Nichols Institute San Juan Capistrano).

NM_000264.5(PTCH1):c.1641C>T (p.Ser547=)

Gene: PTCH1 (patched 1; minus strand). Cytogenetic location: 9q22.32.
Variant type: single nucleotide variant.
Coding change: c.1641C>T on transcript NM_000264.5 (MANE Select); coding-DNA position 1641, C replaced by T.
Protein change: p.Ser547=; no amino-acid change (serine 547 retained).
Molecular consequence: synonymous variant. On other transcripts: non-coding transcript variant (1).
Genome position (GRCh38, 1-based): chr9:95,476,121, G>A on the plus strand (C>T on the coding strand, the complement: PTCH1 is on the minus strand). VCF-style: chr9-95476121-G-A. GRCh37 (hg19) VCF-style: chr9-98238403-G-A.
Other names: p.Ser547=; c.1443C>T, p.Ser481= (NM_001083602.3); c.1638C>T, p.Ser546= (NM_001083603.3); c.1188C>T, p.Ser396= (NM_001083604.3, NM_001083605.3, NM_001083606.3 and 1 more transcripts); c.1485C>T, p.Ser495= (NM_001354918.2).
Identifiers: ClinVar variation 132700 (VCV000132700.59), dbSNP rs2066830, ClinGen allele CA331999.